The following is an entry in ClinVar:

ClinVar aggregate classification (germline): Pathogenic/Likely pathogenic. Review status: criteria provided, multiple submitters, no conflicts (2 of 4 stars). 2 submissions from 2 submitters: Pathogenic (1); Likely pathogenic (1). Last evaluated 2024-08-23.

Submissions (2):

ARUP Laboratories, Molecular Genetics and Genomics, ARUP Laboratories
Classification: Pathogenic. Last evaluated: 2024-08-23. Review status: criteria provided, single submitter. Criteria: ARUP Molecular Germline Variant Investigation Process 2024. Collection method: clinical testing. Allele origin: germline.
Comment: The SPTB c.2170C>T; p.Gln724Ter variant (rs1327286039), to our knowledge, is not reported in the medical literature but is reported in ClinVar (Variation ID: 2690728). This variant is absent from the Genome Aggregation Database (v2.1.1), indicating it is not a common polymorphism. This variant induces an early termination codon and is predicted to result in a truncated protein or mRNA subject to nonsense-mediated decay. Based on available information, this variant is considered to be pathogenic.

Revvity Omics, Revvity
Classification: Likely pathogenic. Last evaluated: 2023-02-28. Review status: criteria provided, single submitter. Criteria: ACMG Guidelines, 2015. Collection method: clinical testing. Allele origin: germline.

NM_001355436.2(SPTB):c.2170C>T (p.Gln724Ter)

Gene: SPTB (spectrin beta, erythrocytic; minus strand). Cytogenetic location: 14q23.3.
Variant type: single nucleotide variant.
Coding change: c.2170C>T on transcript NM_001355436.2 (MANE Select); coding-DNA position 2170, C replaced by T.
Protein change: p.Gln724Ter; replaces glutamine 724 with a stop codon.
Molecular consequence: nonsense.
Genome position (GRCh38, 1-based): chr14:64,793,493, G>A on the plus strand (C>T on the coding strand, the complement: SPTB is on the minus strand). VCF-style: chr14-64793493-G-A. GRCh37 (hg19) VCF-style: chr14-65260211-G-A.
Other names: c.2170C>T, p.Gln724Ter (NM_001024858.4, NM_001355437.2); short protein forms Q724*.
Identifiers: ClinVar variation 2690728 (VCV002690728.3), dbSNP rs1327286039, ClinGen allele CA390018791.